The following is an entry in ClinVar:

NM_000180.4(GUCY2D):c.2031A>G (p.Arg677=)

Gene: GUCY2D (guanylate cyclase 2D, retinal; plus strand). Cytogenetic location: 17p13.1.
Variant type: single nucleotide variant.
Coding change: c.2031A>G on transcript NM_000180.4 (MANE Select); coding-DNA position 2031, A replaced by G.
Protein change: p.Arg677=; no amino-acid change (arginine 677 retained).
Molecular consequence: synonymous variant.
Genome position (GRCh38, 1-based): chr17:8,012,524, A>G. VCF-style: chr17-8012524-A-G. GRCh37 (hg19) VCF-style: chr17-7915842-A-G.
Other names: c.2031A>G (NM_000180.3).
Identifiers: ClinVar variation 1000577 (VCV001000577.8), dbSNP rs200700723, ClinGen allele CA8365970.

ClinVar aggregate classification (germline): Likely benign. Review status: criteria provided, multiple submitters, no conflicts (2 of 4 stars). 3 submissions from 3 submitters: Likely benign (3). Last evaluated 2025-12-23.

Conditions:
GUCY2D-related disorder. Also called: GUCY2D-related condition.
Cone-rod dystrophy 6 (CORD6). Also called: RETINAL CONE DYSTROPHY 2; Cone dystrophy progressive. Identifiers: Orphanet 1872, MedGen C1866293, MONDO:0011143, OMIM 601777.
Leber congenital amaurosis 1 (LCA1). Also called: RETINAL BLINDNESS, CONGENITAL; AMAUROSIS CONGENITA OF LEBER I; Congenital absence of the rods and cones; Leber's congenital tapetoretinal degeneration; Leber's congenital tapetoretinal dysplasia. Identifiers: Orphanet 65, MedGen C2931258, MONDO:0008764, OMIM 204000.

Allele frequency attached by ClinVar (database versions not stated): ExAC 0.00003; gnomAD 0.00006; gnomAD exomes 0.00006 and 0.00021; TOPMed 0.00008; ESP Exome Variant Server 0.00015.
gnomAD v4.1: 318 of 1,613,780 alleles (0.02%); highest among the groups gnomAD compares: Non-Finnish European, 0.026%; no homozygotes.

Submissions (3):

PreventionGenetics, part of Exact Sciences
Classification: Likely benign for GUCY2D-related condition. Last evaluated: 2025-12-23. Review status: criteria provided, single submitter. Criteria: ACMG Guidelines, 2015. Collection method: clinical testing. Allele origin: germline.
Comment: This variant is classified as likely benign based on ACMG/AMP sequence variant interpretation guidelines (Richards et al. 2015 PMID: 25741868, with internal and published modifications).

Labcorp Genetics (formerly Invitae), Labcorp
Classification: Likely benign for Leber congenital amaurosis 1; Cone-rod dystrophy 6. Last evaluated: 2025-09-02. Review status: criteria provided, single submitter. Criteria: Invitae Variant Classification Sherloc (09022015). Collection method: clinical testing. Allele origin: germline.

Blueprint Genetics
Classification: Likely benign. Last evaluated: 2024-06-04. Review status: criteria provided, single submitter. Criteria: ACMG Guidelines, 2015. Collection method: clinical testing. Allele origin: germline.